The following is an entry in ClinVar:

NM_000044.6(AR):c.2639A>T (p.Asp880Val)

Gene: AR (androgen receptor; plus strand). Cytogenetic location: Xq12.
Variant type: single nucleotide variant.
Coding change: c.2639A>T on transcript NM_000044.6 (MANE Select); coding-DNA position 2639, A replaced by T.
Protein change: p.Asp880Val; replaces aspartic acid 880 with valine.
Molecular consequence: missense variant.
Genome position (GRCh38, 1-based): chrX:67,723,717, A>T. VCF-style: chrX-67723717-A-T. GRCh37 (hg19) VCF-style: chrX-66943559-A-T.
Other names: c.1043A>T, p.Asp348Val (NM_001011645.3); short protein forms D880V, D348V.
Identifiers: ClinVar variation 4794681 (VCV004794681.1).
Genomic context (GRCh38, chrX:67,723,717, plus strand): 5'-GTTTTTCTCCCTCTTATTGTTCCCTACAGATTGCGAGAGAGCTGCATCAGTTCACTTTTG[A>T]CCTGCTAATCAAGTCACACATGGTGAGCGTGGACTTTCCGGAAATGATGGCAGAGATCAT-3'
Protein context (NP_000035.2, residues 870-890): IARELHQFTF[Asp880Val]LLIKSHMVSV

ClinVar aggregate classification (germline): Uncertain significance (1 of 4 stars; one submission).

Conditions:
Androgen resistance syndrome (AIS). Also called: ANDROGEN RECEPTOR DEFICIENCY; DIHYDROTESTOSTERONE RECEPTOR DEFICIENCY; TESTICULAR FEMINIZATION SYNDROME; DHTR DEFICIENCY; Androgen insensitivity syndrome; Androgen insensitivity. Identifiers: Orphanet 754, Orphanet 99429, MedGen C0039585, MONDO:0019154, OMIM 300068. Disease mechanism: loss of function.
Kennedy disease (SMAX1). Also called: SPINAL AND BULBAR MUSCULAR ATROPHY, X-LINKED 1; KENNEDY SPINAL AND BULBAR MUSCULAR ATROPHY; Spinal and Bulbar Muscular Atrophy. Identifiers: Orphanet 481, MedGen C1839259, MONDO:0010735, OMIM 313200.

Submission:

Labcorp Genetics (formerly Invitae), Labcorp
Classification: Uncertain significance for Kennedy disease; Androgen resistance syndrome. Last evaluated: 2025-11-28. Review status: criteria provided, single submitter. Criteria: Invitae Variant Classification Sherloc (09022015). Collection method: clinical testing. Allele origin: germline.
Comment: This sequence change replaces aspartic acid, which is acidic and polar, with valine, which is neutral and non-polar, at codon 880 of the AR protein (p.Asp880Val). This variant is not present in population databases (gnomAD no frequency). This missense change has been observed in individual(s) with clinical features of androgen insensitivity syndrome (internal data). Invitae Evidence Modeling of protein sequence and biophysical properties (such as structural, functional, and spatial information, amino acid conservation, physicochemical variation, residue mobility, and thermodynamic stability) indicates that this missense variant is expected to disrupt AR protein function with a positive predictive value of 80%. In summary, the available evidence is currently insufficient to determine the role of this variant in disease. Therefore, it has been classified as a Variant of Uncertain Significance.